The following is an entry in ClinVar:

NM_182914.3(SYNE2):c.15156C>A (p.His5052Gln)

Gene: SYNE2 (spectrin repeat containing nuclear envelope protein 2; plus strand). Cytogenetic location: 14q23.2.
Variant type: single nucleotide variant.
Coding change: c.15156C>A on transcript NM_182914.3 (MANE Select); coding-DNA position 15156, C replaced by A.
Protein change: p.His5052Gln; replaces histidine 5052 with glutamine.
Molecular consequence: missense variant.
Genome position (GRCh38, 1-based): chr14:64,141,520, C>A. VCF-style: chr14-64141520-C-A. GRCh37 (hg19) VCF-style: chr14-64608238-C-A.
Other names: c.15156C>A, p.His5052Gln (NM_015180.6); c.15156C>A (NM_182914.2); short protein forms H5052Q.
Identifiers: ClinVar variation 2081676 (VCV002081676.4), dbSNP rs192245168, ClinGen allele CA7222984.

ClinVar aggregate classification (germline): Uncertain significance. Review status: criteria provided, multiple submitters, no conflicts (2 of 4 stars). 2 submissions from 2 submitters: Uncertain significance (2). Last evaluated 2025-06-30.

Conditions:
Emery-Dreifuss muscular dystrophy 5, autosomal dominant (EDMD5). Also called: EMERY-DREIFUSS MUSCULAR DYSTROPHY 5. Identifiers: Orphanet 261, MedGen C2751805, MONDO:0013072, OMIM 612999.

Allele frequency attached by ClinVar (database versions not stated): gnomAD exomes 0.00001; ExAC 0.00002; gnomAD 0.00002; TOPMed 0.00002; 1000 Genomes Project 0.00020; 1000 Genomes Project 30x 0.00031.
gnomAD v4.1: 7 of 1,613,788 alleles (0.00043%); highest among the groups gnomAD compares: Admixed American, 0.012%; no homozygotes.

Submissions (2):

Athena Diagnostics
Classification: Uncertain significance. Last evaluated: 2025-06-30. Review status: criteria provided, single submitter. Criteria: Athena Diagnostics Criteria. Collection method: clinical testing. Allele origin: unknown.
Comment: Available data are insufficient to determine the clinical significance of the variant at this time. The frequency of this variant in the general population is uninformative in assessment of its pathogenicity. Polyphen and MutationTaster predict this amino acid change may be benign.

Labcorp Genetics (formerly Invitae), Labcorp
Classification: Uncertain significance for Emery-Dreifuss muscular dystrophy 5, autosomal dominant. Last evaluated: 2024-06-30. Review status: criteria provided, single submitter. Criteria: Invitae Variant Classification Sherloc (09022015). Collection method: clinical testing. Allele origin: germline.
Comment: This sequence change replaces histidine, which is basic and polar, with glutamine, which is neutral and polar, at codon 5052 of the SYNE2 protein (p.His5052Gln). This variant is present in population databases (rs192245168, gnomAD 0.02%). This variant has not been reported in the literature in individuals affected with SYNE2-related conditions. ClinVar contains an entry for this variant (Variation ID: 2081676). An algorithm developed to predict the effect of missense changes on protein structure and function (PolyPhen-2) suggests that this variant is likely to be disruptive. In summary, the available evidence is currently insufficient to determine the role of this variant in disease. Therefore, it has been classified as a Variant of Uncertain Significance.